The following is an entry in ClinVar:

NM_015346.4(ZFYVE26):c.3524-1G>C

Gene: ZFYVE26 (zinc finger FYVE-type containing 26; minus strand). Cytogenetic location: 14q24.1.
Variant type: single nucleotide variant.
Coding change: c.3524-1G>C on transcript NM_015346.4 (MANE Select); the canonical splice acceptor site of the intron before coding-DNA position 3524, G replaced by C.
Molecular consequence: splice acceptor variant.
Genome position (GRCh38, 1-based): chr14:67,784,437, C>G on the plus strand (G>C on the coding strand, the complement: ZFYVE26 is on the minus strand). VCF-style: chr14-67784437-C-G. GRCh37 (hg19) VCF-style: chr14-68251154-C-G.
Identifiers: ClinVar variation 1066315 (VCV001066315.7), dbSNP rs2140225441, ClinGen allele CA390172042.
Genomic context (GRCh38, chr14:67,784,437, plus strand): 5'-GTTGGGAAGAGCTCTGTTGCAGCAGAACAAAGGGATTTCCTACCTTGACCTCCACATGAT[C>G]TGCAAAGGTAAAGAACATGATCTTTGTTTGCACCACTGACTGCAAGAGTTCAGAGCCCTG-3'

ClinVar aggregate classification (germline): Likely pathogenic (1 of 4 stars; one submission).

Conditions:
Spastic paraplegia. Identifiers: MedGen C0037772, HP:0001258.

Allele frequency attached by ClinVar (database versions not stated): gnomAD exomes below 0.00001.
gnomAD v4.1: 4 of 1,613,834 alleles (0.00025%); highest among the groups gnomAD compares: Non-Finnish European, 0.00034%; no homozygotes.

Submission:

Labcorp Genetics (formerly Invitae), Labcorp
Classification: Likely pathogenic for Spastic paraplegia. Last evaluated: 2020-04-27. Review status: criteria provided, single submitter. Criteria: Invitae Variant Classification Sherloc (09022015). Collection method: clinical testing. Allele origin: germline.
Comment: This variant is not present in population databases (ExAC no frequency). In summary, the currently available evidence indicates that the variant is pathogenic, but additional data are needed to prove that conclusively. Therefore, this variant has been classified as Likely Pathogenic. Donor and acceptor splice site variants typically lead to a loss of protein function (PMID: 16199547), and loss-of-function variants in ZFYVE26 are known to be pathogenic (PMID: 18394578, 19805727). Algorithms developed to predict the effect of sequence changes on RNA splicing suggest that this variant may disrupt the consensus splice site, but this prediction has not been confirmed by published transcriptional studies. This variant has not been reported in the literature in individuals with ZFYVE26-related conditions. This sequence change affects an acceptor splice site in intron 19 of the ZFYVE26 gene. It is expected to disrupt RNA splicing and likely results in an absent or disrupted protein product.

Literature cited by the submitters: PubMed 16199547; PubMed 18394578; PubMed 19805727.